The following is an entry in ClinVar:

NM_004360.5(CDH1):c.105G>C (p.Glu35Asp)

Gene: CDH1 (cadherin 1; plus strand). Cytogenetic location: 16q22.1.
Variant type: single nucleotide variant.
Coding change: c.105G>C on transcript NM_004360.5 (MANE Select); coding-DNA position 105, G replaced by C.
Protein change: p.Glu35Asp; replaces glutamic acid 35 with aspartic acid.
Molecular consequence: missense variant. On other transcripts: 5 prime UTR variant (2).
Genome position (GRCh38, 1-based): chr16:68,738,353, G>C. VCF-style: chr16-68738353-G-C. GRCh37 (hg19) VCF-style: chr16-68772256-G-C.
Other names: NM_004360.5(CDH1):c.105G>C; p.Glu35Asp; c.105G>C (LRG_301t1); c.105G>C, p.Glu35Asp (NM_001317184.2); c.-1511G>C (NM_001317185.2); c.-1715G>C (NM_001317186.2); short protein forms E35D.
Identifiers: ClinVar variation 422466 (VCV000422466.17), dbSNP rs876660131, ClinGen allele CA16620230.
Genomic context (GRCh38, chr16:68,738,353, plus strand): 5'-CCAGGTCTCCTCTTGGCTCTGCCAGGAGCCGGAGCCCTGCCACCCTGGCTTTGACGCCGA[G>C]AGCTACACGTTCACGGTGCCCCGGCGCCACCTGGAGAGAGGCCGCGTCCTGGGCAGAGGT-3'
Protein context (NP_004351.1, residues 25-45): PEPCHPGFDA[Glu35Asp]SYTFTVPRRH

ClinVar aggregate classification (germline): Uncertain significance. Review status: reviewed by expert panel (3 of 4 stars). 4 submissions from 4 submitters: Uncertain significance (1). 3 of the submissions do not count toward it. Last evaluated 2023-08-21.

Conditions:
CDH1-related diffuse gastric and lobular breast cancer syndrome. Also called: CDH1-related diffuse gastric and lobular breast cancer. Identifiers: MedGen CN311521, MONDO:0100488.
Hereditary cancer-predisposing syndrome. Also called: Hereditary Cancer Syndrome; Tumor predisposition; Hereditary neoplastic syndrome; Neoplastic Syndromes, Hereditary. Identifiers: Orphanet 140162, MedGen C0027672, MeSH D009386, MONDO:0015356.
Hereditary diffuse gastric adenocarcinoma (HDGC). Also called: DIFFUSE GASTRIC AND LOBULAR BREAST CANCER SYNDROME. Identifiers: Orphanet 26106, MedGen C1708349, MONDO:0007648, OMIM 137215.

Submissions (4):

Clingen Gastric Cancer Variant Curation Expert Panel
Classification: Uncertain significance for CDH1-related diffuse gastric and lobular breast cancer syndrome. Last evaluated: 2023-08-21. Review status: reviewed by expert panel. Criteria: ClinGen CDH1 ACMG Specifications V3.1. Collection method: curation. Allele origin: germline. Inheritance: Autosomal dominant inheritance.
Comment: The c.105G>C (NM_004360.5) variant in CDH1 is a missense variant predicted to predicted to cause substitution of Glu by Asp at amino acid 35 (p.Glu35Asp). This variant has been observed in more than 3 heterozygous individuals without GC, DGC, SRC tumours or LBC and whose families do not suggest HDGC (BS2_Supporting; Ambry, GeneDx, Invitae). This variant is absent from gnomAD 2.1.1 (PM2_Supporting). In summary, this variant meets the criteria to be classified as uncertain significance for DGLBCS based on the ACMG/AMP criteria applied, as specified by the ClinGen CDH1 VCEP (CDH1 VCEP specifications version 3.1): PM2_Supporting, BS2_Supporting.

Ambry Genetics
Classification: Likely benign for Hereditary cancer-predisposing syndrome. Last evaluated: 2026-05-15. Review status: criteria provided, single submitter. Criteria: Ambry Variant Classification Scheme 2023. Collection method: clinical testing. Allele origin: germline. Not counted in ClinVar's aggregate classification.

Labcorp Genetics (formerly Invitae), Labcorp
Classification: Uncertain significance for Hereditary diffuse gastric adenocarcinoma. Last evaluated: 2023-09-12. Review status: criteria provided, single submitter. Criteria: Invitae Variant Classification Sherloc (09022015). Collection method: clinical testing. Allele origin: germline. Not counted in ClinVar's aggregate classification.
Comment: This sequence change replaces glutamic acid, which is acidic and polar, with aspartic acid, which is acidic and polar, at codon 35 of the CDH1 protein (p.Glu35Asp). This variant is not present in population databases (gnomAD no frequency). This variant has not been reported in the literature in individuals affected with CDH1-related conditions. ClinVar contains an entry for this variant (Variation ID: 422466). Algorithms developed to predict the effect of missense changes on protein structure and function output the following: SIFT: "Not Available"; PolyPhen-2: "Benign"; Align-GVGD: "Not Available". The aspartic acid amino acid residue is found in multiple mammalian species, which suggests that this missense change does not adversely affect protein function. In summary, the available evidence is currently insufficient to determine the role of this variant in disease. Therefore, it has been classified as a Variant of Uncertain Significance.

GeneDx
Classification: Uncertain significance. Last evaluated: 2016-10-10. Review status: criteria provided, single submitter. Criteria: GeneDx Variant Classification (06012015). Collection method: clinical testing. Allele origin: germline. Affected: yes. Not counted in ClinVar's aggregate classification.
Comment: This variant is denoted CDH1 c.105G>C at the cDNA level, p.Glu35Asp (E35D) at the protein level, and results in the change of a Glutamic Acid to an Aspartic Acid (GAG>GAC). This variant has not, to our knowledge, been published in the literature as pathogenic or benign. CDH1 Glu35Asp was not observed in approximately 5,400 individuals of European and African American ancestry in the NHLBI Exome Sequencing Project, suggesting it is not a common benign variant in these populations. Since Glutamic Acid and Aspartic Acid share similar properties, this is considered a conservative amino acid substitution. CDH1 Glu35Asp occurs at a position that is not conserved and is located in the propeptide region (Brooks-Wilson 2004, Figueiredo 2013, UniProt). In silico analyses are inconsistent regarding the effect this variant may have on protein structure and function. Based on currently available evidence, it is unclear whether CDH1 Glu35Asp is a pathogenic or benign variant. We consider it to be a variant of uncertain significance.